The following is an entry in ClinVar:

ClinVar aggregate classification (germline): Uncertain significance (1 of 4 stars; one submission).

Conditions:
HIRA-related disorder.

Submission:

PreventionGenetics, part of Exact Sciences
Classification: Uncertain significance for HIRA-related condition. Last evaluated: 2025-04-05. Review status: criteria provided, single submitter. Criteria: ACMG Guidelines, 2015. Collection method: clinical testing. Allele origin: germline.
Comment: The HIRA c.1157T>A variant is predicted to result in the amino acid substitution p.Met386Lys. To our knowledge, this variant has not been reported in the literature or in a large population database (gnomAD), indicating this variant is rare. At this time, the clinical significance of this variant is uncertain due to the absence of conclusive functional and genetic evidence.

NM_003325.4(HIRA):c.1157T>A (p.Met386Lys)

Gene: HIRA (histone cell cycle regulator; minus strand). Cytogenetic location: 22q11.21.
Variant type: single nucleotide variant.
Coding change: c.1157T>A on transcript NM_003325.4 (MANE Select); coding-DNA position 1157, T replaced by A.
Protein change: p.Met386Lys; replaces methionine 386 with lysine.
Molecular consequence: missense variant.
Genome position (GRCh38, 1-based): chr22:19,385,693, A>T on the plus strand (T>A on the coding strand, the complement: HIRA is on the minus strand). VCF-style: chr22-19385693-A-T. GRCh37 (hg19) VCF-style: chr22-19373216-A-T.
Other names: short protein forms M386K.
Identifiers: ClinVar variation 4999366 (VCV004999366.1).